The following is an entry in ClinVar:

NM_023110.3(FGFR1):c.1759C>T (p.Pro587Ser)

Gene: FGFR1 (fibroblast growth factor receptor 1; minus strand). Cytogenetic location: 8p11.23.
Variant type: single nucleotide variant.
Coding change: c.1759C>T on transcript NM_023110.3 (MANE Select); coding-DNA position 1759, C replaced by T.
Protein change: p.Pro587Ser; replaces proline 587 with serine.
Molecular consequence: missense variant.
Genome position (GRCh38, 1-based): chr8:38,415,965, G>A on the plus strand (C>T on the coding strand, the complement: FGFR1 is on the minus strand). VCF-style: chr8-38415965-G-A. GRCh37 (hg19) VCF-style: chr8-38273483-G-A.
Other names: c.1759C>T, p.Pro587Ser (NM_000604.2); c.1753C>T, p.Pro585Ser (NM_001174063.2, NM_001174065.2, NM_001354367.2 and 1 more transcripts); c.1729C>T, p.Pro577Ser (NM_001174064.2); c.1492C>T, p.Pro498Ser (NM_001174066.2, NM_023105.3); c.1852C>T, p.Pro618Ser (NM_001174067.2); c.1480C>T, p.Pro494Ser (NM_001354368.2); c.1747C>T, p.Pro583Ser (NM_001354369.2, NM_001410922.1); c.1486C>T, p.Pro496Ser (NM_001354370.2, NM_023106.3); short protein forms P587S, P618S, P494S, P498S, P496S, P577S, P583S, P585S.
Identifiers: ClinVar variation 2938414 (VCV002938414.3), dbSNP rs1563442408, ClinGen allele CA370731724.

ClinVar aggregate classification (germline): Uncertain significance (1 of 4 stars; one submission).

Conditions:
Hypogonadotropic hypogonadism 2 with or without anosmia (HH2). Also called: FGFR1-Related GnRH Deficiency (Kallmann Syndrome 2); HYPOGONADOTROPIC HYPOGONADISM 2 WITHOUT ANOSMIA; HYPOGONADOTROPIC HYPOGONADISM 2 WITH OR WITHOUT ANOSMIA, SUSCEPTIBILITY TO; HYPOGONADOTROPIC HYPOGONADISM 2 WITHOUT ANOSMIA, SUSCEPTIBILITY TO. Identifiers: Orphanet 478, MedGen C1563720, MONDO:0007844, OMIM 147950. Disease mechanism: loss of function.
Pfeiffer syndrome (ACS5). Also called: ACS V. Identifiers: Orphanet 710, MedGen C0220658, MONDO:0007043, OMIM 101600.

Allele frequency attached by ClinVar (database versions not stated): gnomAD exomes below 0.00001.
gnomAD v4.1: 4 of 1,614,116 alleles (0.00025%); highest among the groups gnomAD compares: Non-Finnish European, 0.00034%; no homozygotes.

Submission:

Labcorp Genetics (formerly Invitae), Labcorp
Classification: Uncertain significance for Pfeiffer syndrome; Hypogonadotropic hypogonadism 2 with or without anosmia. Last evaluated: 2024-01-12. Review status: criteria provided, single submitter. Criteria: Invitae Variant Classification Sherloc (09022015). Collection method: clinical testing. Allele origin: germline.
Comment: This sequence change replaces proline, which is neutral and non-polar, with serine, which is neutral and polar, at codon 587 of the FGFR1 protein (p.Pro587Ser). This variant is not present in population databases (gnomAD no frequency). This variant has not been reported in the literature in individuals affected with FGFR1-related conditions. Advanced modeling of protein sequence and biophysical properties (such as structural, functional, and spatial information, amino acid conservation, physicochemical variation, residue mobility, and thermodynamic stability) performed at Invitae indicates that this missense variant is not expected to disrupt FGFR1 protein function with a negative predictive value of 95%. In summary, the available evidence is currently insufficient to determine the role of this variant in disease. Therefore, it has been classified as a Variant of Uncertain Significance.